The following is an entry in ClinVar:

ClinVar aggregate classification (germline): Uncertain significance (1 of 4 stars; one submission).

Allele frequency attached by ClinVar (database versions not stated): gnomAD 0.00001; gnomAD exomes 0.00001 and 0.00002; TOPMed 0.00001; ExAC 0.00002; ESP Exome Variant Server 0.00008.
gnomAD v4.1: 35 of 1,614,126 alleles (0.0022%); highest among the groups gnomAD compares: Middle Eastern, 0.049%; no homozygotes.

Submission:

Labcorp Genetics (formerly Invitae), Labcorp
Classification: Uncertain significance. Last evaluated: 2024-10-26. Review status: criteria provided, single submitter. Criteria: Invitae Variant Classification Sherloc (09022015). Collection method: clinical testing. Allele origin: germline.
Comment: This sequence change falls in intron 5 of the DHX38 gene. It does not directly change the encoded amino acid sequence of the DHX38 protein. It affects a nucleotide within the consensus splice site. This variant is present in population databases (rs369542250, gnomAD 0.003%). This variant has not been reported in the literature in individuals affected with DHX38-related conditions. ClinVar contains an entry for this variant (Variation ID: 1525600). Variants that disrupt the consensus splice site are a relatively common cause of aberrant splicing (PMID: 17576681, 9536098). Algorithms developed to predict the effect of sequence changes on RNA splicing suggest that this variant is not likely to affect RNA splicing. In summary, the available evidence is currently insufficient to determine the role of this variant in disease. Therefore, it has been classified as a Variant of Uncertain Significance.

Literature cited by the submitters: PubMed 17576681; PubMed 9536098.

NM_014003.4(DHX38):c.764+3G>A

Gene: DHX38 (DEAH-box helicase 38; plus strand). Cytogenetic location: 16q22.2.
Variant type: single nucleotide variant.
Coding change: c.764+3G>A on transcript NM_014003.4 (MANE Select); 3 bases into the intron after coding-DNA position 764, G replaced by A.
Molecular consequence: intron variant.
Genome position (GRCh38, 1-based): chr16:72,098,795, G>A. VCF-style: chr16-72098795-G-A. GRCh37 (hg19) VCF-style: chr16-72132694-G-A.
Identifiers: ClinVar variation 1525600 (VCV001525600.5), dbSNP rs369542250, ClinGen allele CA8160061.